The following is an entry in ClinVar:

ClinVar aggregate classification (germline): Uncertain significance (1 of 4 stars; one submission).

Submission:

Labcorp Genetics (formerly Invitae), Labcorp
Classification: Uncertain significance. Last evaluated: 2020-11-21. Review status: criteria provided, single submitter. Criteria: Invitae Variant Classification Sherloc (09022015). Collection method: clinical testing. Allele origin: germline.
Comment: This variant is not present in population databases (ExAC no frequency). This variant has not been reported in the literature in individuals with DUOX2-related conditions. Advanced modeling of protein sequence and biophysical properties (such as structural, functional, and spatial information, amino acid conservation, physicochemical variation, residue mobility, and thermodynamic stability) performed at Invitae indicates that this missense variant is expected to disrupt DUOX2 protein function. In summary, the available evidence is currently insufficient to determine the role of this variant in disease. Therefore, it has been classified as a Variant of Uncertain Significance. This sequence change replaces proline with arginine at codon 1281 of the DUOX2 protein (p.Pro1281Arg). The proline residue is highly conserved and there is a moderate physicochemical difference between proline and arginine.

NM_001363711.2(DUOX2):c.3842C>G (p.Pro1281Arg)

Gene: DUOX2 (dual oxidase 2; minus strand). Cytogenetic location: 15q21.1.
Variant type: single nucleotide variant.
Coding change: c.3842C>G on transcript NM_001363711.2 (MANE Select); coding-DNA position 3842, C replaced by G.
Protein change: p.Pro1281Arg; replaces proline 1281 with arginine.
Molecular consequence: missense variant.
Genome position (GRCh38, 1-based): chr15:45,097,243, G>C on the plus strand (C>G on the coding strand, the complement: DUOX2 is on the minus strand). VCF-style: chr15-45097243-G-C. GRCh37 (hg19) VCF-style: chr15-45389441-G-C.
Other names: c.3842C>G, p.Pro1281Arg (NM_014080.5); short protein forms P1281R.
Identifiers: ClinVar variation 1487416 (VCV001487416.8), dbSNP rs2141141508, ClinGen allele CA392254481.